The following is an entry in ClinVar:

ClinVar aggregate classification (germline): Uncertain significance (1 of 4 stars; one submission).

Conditions:
Familial thoracic aortic aneurysm and aortic dissection (TAAD). Also called: Thoracic aortic aneurysms and dissections. Identifiers: Orphanet 91387, MedGen C4707243, MONDO:0019625.
Marfan syndrome (MFS). Also called: MARFAN SYNDROME, TYPE I; Marfan syndrome type 1; Marfan's syndrome; Marfan syndrome, classic; FBN1-Related Marfan Syndrome. Identifiers: Orphanet 284963, Orphanet 558, MedGen C0024796, MONDO:0007947, OMIM 154700.

Submission:

Labcorp Genetics (formerly Invitae), Labcorp
Classification: Uncertain significance for Marfan syndrome; Familial thoracic aortic aneurysm and aortic dissection. Last evaluated: 2024-09-14. Review status: criteria provided, single submitter. Criteria: Invitae Variant Classification Sherloc (09022015). Collection method: clinical testing. Allele origin: germline.
Comment: This variant, c.1523_1525del, is a complex sequence change that results in the deletion of 2 and insertion of 1 amino acid(s) in the FBN1 protein (p.Gln508_Gly509delinsArg). This variant is not present in population databases (gnomAD no frequency). This variant has been observed in individuals with Marfan syndrome (internal data). ClinVar contains an entry for this variant (Variation ID: 2000217). Experimental studies and prediction algorithms are not available or were not evaluated, and the functional significance of this variant is currently unknown. In summary, the available evidence is currently insufficient to determine the role of this variant in disease. Therefore, it has been classified as a Variant of Uncertain Significance.

NM_000138.5(FBN1):c.1523_1525del (p.Gln508_Gly509delinsArg)

Gene: FBN1 (fibrillin 1; minus strand). Cytogenetic location: 15q21.1.
Variant type: Deletion.
Coding change: c.1523_1525del on transcript NM_000138.5 (MANE Select); coding-DNA positions 1523 to 1525, 3 bases deleted (AGG; older notation c.1523_1525delAGG).
Protein change: p.Gln508_Gly509delinsArg.
Molecular consequence: inframe indel.
Genome position (GRCh38, 1-based): chr15:48,513,612-48,513,614, CCT deleted on the plus strand (AGG on the coding strand, the reverse complement: FBN1 is on the minus strand). VCF-style (leftmost placement, unchanged base first): chr15-48513611-CCCT-C. GRCh37 (hg19) VCF-style: chr15-48805808-CCCT-C.
Other names: c.1523_1525delAGG, p.Gln508_Gly509delinsArg (NM_001406716.1).
Identifiers: ClinVar variation 2000217 (VCV002000217.4), dbSNP rs2505613851, ClinGen allele CA2580089674.